The following is an entry in ClinVar:

ClinVar aggregate classification (germline): Likely pathogenic (1 of 4 stars; one submission).

Conditions:
Polycystic kidney disease, adult type (PKD1). Also called: Polycystic Kidney, Autosomal Dominant; POLYCYSTIC KIDNEY DISEASE, ADULT, TYPE I; Polycystic Kidney Disease 1, Autosomal Dominant; Polycystic kidney disease 1; Polycystic kidney disease 1, severe; POLYCYSTIC KIDNEY DISEASE 1 WITH OR WITHOUT POLYCYSTIC LIVER DISEASE. Identifiers: MedGen C3149841, MONDO:0008263, OMIM 173900.

Submission:

Center for Human Genetics and Genomic Medicine, Uniklinik Rwth Aachen
Classification: Likely pathogenic for Polycystic kidney disease, adult type. Last evaluated: 2026-04-10. Review status: criteria provided, single submitter. Criteria: ACMG Guidelines, 2015. Collection method: clinical testing. Allele origin: unknown. Inheritance: Autosomal dominant inheritance. Affected: yes. Observed: 1 variant allele, 1 heterozygote.
Comment: In the general population (gnomAD v4.1.0), this variant has not yet been reported (as of April 10, 2026, PM2_supporting). The variant represents a frameshift mutation followed by a stop codon. This typically leads either to premature termination of translation or to so-called “nonsense-mediated mRNA decay.” In both cases, this results in a loss of function of the protein (“loss-of-function,” PVS1). For the PKD1 gene, intolerance to haploinsufficiency has been described as a pathomechanism.

NM_001009944.3(PKD1):c.10217del (p.Lys3406fs)

Gene: PKD1 (polycystin 1, transient receptor potential channel interacting; minus strand). Cytogenetic location: 16p13.3.
Variant type: Deletion.
Coding change: c.10217del on transcript NM_001009944.3 (MANE Select); coding-DNA position 10217, one base deleted (A; older notation c.10217delA).
Protein change: p.Lys3406fs; shifts the reading frame from lysine 3406.
Molecular consequence: frameshift variant.
Genome position (GRCh38, 1-based): chr16:2,097,731, T deleted on the plus strand (A on the coding strand, the reverse complement: PKD1 is on the minus strand); the first of 2 consecutive T bases (chr16:2,097,731-2,097,732); deleting either gives the same sequence. VCF-style (leftmost placement, unchanged base first): chr16-2097730-CT-C. GRCh37 (hg19) VCF-style: chr16-2147731-CT-C.
Other names: c.10214del, p.Lys3405fs (NM_000296.4); short protein forms K3405fs, K3406fs.
Identifiers: ClinVar variation 4851302 (VCV004851302.1).